The following is an entry in ClinVar:

NM_004700.4(KCNQ4):c.1724G>A (p.Arg575Gln)

Gene: KCNQ4 (potassium voltage-gated channel subfamily Q member 4; plus strand). Cytogenetic location: 1p34.2.
Variant type: single nucleotide variant.
Coding change: c.1724G>A on transcript NM_004700.4 (MANE Select); coding-DNA position 1724, G replaced by A.
Protein change: p.Arg575Gln; replaces arginine 575 with glutamine.
Molecular consequence: missense variant.
Genome position (GRCh38, 1-based): chr1:40,835,077, G>A. VCF-style: chr1-40835077-G-A. GRCh37 (hg19) VCF-style: chr1-41300749-G-A.
Other names: c.1562G>A, p.Arg521Gln (NM_172163.3); short protein forms R521Q, R575Q.
Identifiers: ClinVar variation 1707152 (VCV001707152.2), dbSNP rs1181851856, ClinGen allele CA339889167.

ClinVar aggregate classification (germline): Uncertain significance (1 of 4 stars; one submission).

Allele frequency attached by ClinVar (database versions not stated): gnomAD exomes 0.00001; TOPMed 0.00001.
gnomAD v4.1: 9 of 1,613,714 alleles (0.00056%); highest among the groups gnomAD compares: East Asian, 0.0022%; no homozygotes.

Submission:

GeneDx
Classification: Uncertain significance. Last evaluated: 2022-12-29. Review status: criteria provided, single submitter. Criteria: GeneDx Variant Classification Process June 2021. Collection method: clinical testing. Allele origin: germline. Affected: yes.
Comment: Not observed at significant frequency in large population cohorts (gnomAD); In silico analysis supports that this missense variant has a deleterious effect on protein structure/function; Has not been previously published as pathogenic or benign to our knowledge